The following is an entry in ClinVar:

NM_001379610.1(SPINK1):c.40C>G (p.Leu14Val)

Gene: SPINK1 (serine peptidase inhibitor Kazal type 1; minus strand). Cytogenetic location: 5q32.
Variant type: single nucleotide variant.
Coding change: c.40C>G on transcript NM_001379610.1 (MANE Select); coding-DNA position 40, C replaced by G.
Protein change: p.Leu14Val; replaces leucine 14 with valine.
Molecular consequence: missense variant.
Genome position (GRCh38, 1-based): chr5:147,831,538, G>C on the plus strand (C>G on the coding strand, the complement: SPINK1 is on the minus strand). VCF-style: chr5-147831538-G-C. GRCh37 (hg19) VCF-style: chr5-147211101-G-C.
Other names: c.40C>G, p.Leu14Val (NM_001354966.2, NM_003122.5); short protein forms L14V.
Identifiers: ClinVar variation 1737826 (VCV001737826.3), dbSNP rs1380669932, ClinGen allele CA361885511.
Genomic context (GRCh38, chr5:147,831,538, plus strand): 5'-GGTCAAAACAGTTTTATTTAAATTTGAAAAATATGCAACACTTACCAGATAGACTCAACA[G>C]GGCCAAGGCACTGAGAAGAAAGATGCCTGTTACCTTCATGGCTGAAGTTCTGCGTCCAGA-3'
Protein context (NP_001366539.1, residues 4-24): TGIFLLSALA[Leu14Val]LSLSGNTGAD

ClinVar aggregate classification (germline): Uncertain significance (1 of 4 stars; one submission).

Conditions:
Hereditary pancreatitis (PCTT). Also called: Hereditary chronic pancreatitis; PRSS1-Related Hereditary Pancreatitis. Identifiers: Orphanet 676, MedGen C0238339, MONDO:0008185, OMIM 167800.

Allele frequency attached by ClinVar (database versions not stated): gnomAD exomes below 0.00001.
gnomAD v4.1: 2 of 1,613,586 alleles (0.00012%); highest among the groups gnomAD compares: Non-Finnish European, 0.00017%; no homozygotes.

Submission:

Ambry Genetics
Classification: Uncertain significance for Hereditary pancreatitis. Last evaluated: 2025-08-08. Review status: criteria provided, single submitter. Criteria: Ambry Variant Classification Scheme 2023. Collection method: clinical testing. Allele origin: germline.
Comment: The p.L14V variant (also known as c.40C>G), located in coding exon 1 of the SPINK1 gene, results from a C to G substitution at nucleotide position 40. The leucine at codon 14 is replaced by valine, an amino acid with highly similar properties. This amino acid position is conserved. In addition, this alteration is predicted to be tolerated by in silico analysis. Since supporting evidence is limited at this time, the clinical significance of this alteration remains unclear.